The following is an entry in ClinVar:

NM_014698.3(TMEM63A):c.1957G>A (p.Val653Ile)

Gene: TMEM63A (transmembrane protein 63A; minus strand). Cytogenetic location: 1q42.12.
Variant type: single nucleotide variant.
Coding change: c.1957G>A on transcript NM_014698.3 (MANE Select); coding-DNA position 1957, G replaced by A.
Protein change: p.Val653Ile; replaces valine 653 with isoleucine.
Molecular consequence: missense variant.
Genome position (GRCh38, 1-based): chr1:225,850,026, C>T on the plus strand (G>A on the coding strand, the complement: TMEM63A is on the minus strand). VCF-style: chr1-225850026-C-T. GRCh37 (hg19) VCF-style: chr1-226037727-C-T.
Other names: short protein forms V653I.
Identifiers: ClinVar variation 2217452 (VCV002217452.4), dbSNP rs145863221, ClinGen allele CA1418951.

ClinVar aggregate classification (germline): Uncertain significance. Review status: criteria provided, multiple submitters, no conflicts (2 of 4 stars). 2 submissions from 2 submitters: Uncertain significance (2). Last evaluated 2026-02-19.

Conditions:
Inborn genetic diseases. Identifiers: MedGen C0950123, MeSH D030342.

Allele frequency attached by ClinVar (database versions not stated): ESP Exome Variant Server 0.00031; ExAC 0.00012; gnomAD exomes 0.00014; gnomAD 0.00017; TOPMed 0.00020.
gnomAD v4.1: 246 of 1,614,158 alleles (0.015%); highest among the groups gnomAD compares: African/African-American, 0.033%; no homozygotes.

Submissions (2):

Dasa
Classification: Uncertain significance. Last evaluated: 2026-02-19. Review status: criteria provided, single submitter. Criteria: DASA Assertion Criteria. Collection method: clinical testing. Allele origin: germline.
Comment: NM_014698.3(TMEM63A):c.1957G>A (p.Val653Ile) is a missense variant that results in the substitution of valine with isoleucine. This variant is rare in population databases. Computational prediction algorithms are consistent with a benign effect. The currently available literature and clinical evidence are not sufficient to establish a definitive association between this variant and the reported condition. Therefore, this variant is classified as a variant of uncertain significance.

Ambry Genetics
Classification: Uncertain significance for Inborn genetic diseases. Last evaluated: 2021-08-30. Review status: criteria provided, single submitter. Criteria: Ambry Variant Classification Scheme 2023. Collection method: clinical testing. Allele origin: germline.